The following is an entry in ClinVar:

ClinVar aggregate classification (germline): Uncertain significance (1 of 4 stars; one submission).

Allele frequency attached by ClinVar (database versions not stated): gnomAD exomes below 0.00001.
gnomAD v4.1: 1 of 1,607,466 alleles (0.000062%); highest among the groups gnomAD compares: East Asian, 0.0022%; no homozygotes.

Submission:

Labcorp Genetics (formerly Invitae), Labcorp
Classification: Uncertain significance. Last evaluated: 2025-10-01. Review status: criteria provided, single submitter. Criteria: Invitae Variant Classification Sherloc (09022015). Collection method: clinical testing. Allele origin: germline.
Comment: This sequence change replaces glutamic acid, which is acidic and polar, with aspartic acid, which is acidic and polar, at codon 1804 of the OBSL1 protein (p.Glu1804Asp). This variant is not present in population databases (gnomAD no frequency). This variant has not been reported in the literature in individuals affected with OBSL1-related conditions. ClinVar contains an entry for this variant (Variation ID: 3011812). An algorithm developed to predict the effect of missense changes on protein structure and function (PolyPhen-2) suggests that this variant is likely to be tolerated. In summary, the available evidence is currently insufficient to determine the role of this variant in disease. Therefore, it has been classified as a Variant of Uncertain Significance.

NM_015311.3(OBSL1):c.5412G>C (p.Glu1804Asp)

Gene: OBSL1 (obscurin like cytoskeletal adaptor 1; minus strand). Cytogenetic location: 2q35.
Variant type: single nucleotide variant.
Coding change: c.5412G>C on transcript NM_015311.3 (MANE Select); coding-DNA position 5412, G replaced by C.
Protein change: p.Glu1804Asp; replaces glutamic acid 1804 with aspartic acid.
Molecular consequence: missense variant.
Genome position (GRCh38, 1-based): chr2:219,552,113, C>G on the plus strand (G>C on the coding strand, the complement: OBSL1 is on the minus strand). VCF-style: chr2-219552113-C-G. GRCh37 (hg19) VCF-style: chr2-220416835-C-G.
Other names: short protein forms E1804D.
Identifiers: ClinVar variation 3011812 (VCV003011812.3), dbSNP rs2546183664, ClinGen allele CA350717142.